The following is an entry in ClinVar:

ClinVar aggregate classification (germline): Conflicting classifications of pathogenicity. Review status: criteria provided, conflicting classifications (1 of 4 stars). 4 submissions from 4 submitters: Uncertain significance (1); Likely benign (3). Last evaluated 2026-07-11.

Conditions:
ATL1-related disorder. Also called: ATL1-related condition.
Inborn genetic diseases. Identifiers: MedGen C0950123, MeSH D030342.
Hereditary spastic paraplegia 3A (SPG3A). Also called: Spastic paraplegia 3A, autosomal dominant; SPASTIC PARAPLEGIA 3, AUTOSOMAL DOMINANT; FAMILIAL SPASTIC PARAPLEGIA, AUTOSOMAL DOMINANT, 1; SPG3; STRUMPELL DISEASE; Spastic Paraplegia 3A. Identifiers: Orphanet 100984, MedGen C2931355, MONDO:0008437, OMIM 182600.

Allele frequency attached by ClinVar (database versions not stated): gnomAD 0.00001; gnomAD exomes 0.00001 and 0.00002; TOPMed 0.00001.
gnomAD v4.1: 12 of 1,613,824 alleles (0.00074%); highest among the groups gnomAD compares: African/African-American, 0.0013%; no homozygotes.

Submissions (4):

PreventionGenetics, part of Exact Sciences
Classification: Likely benign for ATL1-related condition. Last evaluated: 2026-07-11. Review status: criteria provided, single submitter. Criteria: ACMG Guidelines, 2015. Collection method: clinical testing. Allele origin: germline.
Comment: This variant is classified as likely benign based on ACMG/AMP sequence variant interpretation guidelines (Richards et al. 2015 PMID: 25741868, with internal and published modifications).

Labcorp Genetics (formerly Invitae), Labcorp
Classification: Likely benign for Hereditary spastic paraplegia 3A. Last evaluated: 2025-08-25. Review status: criteria provided, single submitter. Criteria: Invitae Variant Classification Sherloc (09022015). Collection method: clinical testing. Allele origin: germline.

Ambry Genetics
Classification: Likely benign for Inborn genetic diseases. Last evaluated: 2019-07-11. Review status: criteria provided, single submitter. Criteria: Ambry Variant Classification Scheme 2023. Collection method: clinical testing. Allele origin: germline.

Illumina Laboratory Services, Illumina
Classification: Uncertain significance for Hereditary spastic paraplegia 3A. Last evaluated: 2018-01-12. Review status: criteria provided, single submitter. Criteria: ICSL Variant Classification Criteria 13 December 2019. Collection method: clinical testing. Allele origin: germline.

NM_015915.5(ATL1):c.300T>G (p.Val100=)

Gene: ATL1 (atlastin GTPase 1; plus strand). Cytogenetic location: 14q22.1.
Variant type: single nucleotide variant.
Coding change: c.300T>G on transcript NM_015915.5 (MANE Select); coding-DNA position 300, T replaced by G.
Protein change: p.Val100=; no amino-acid change (valine 100 retained).
Molecular consequence: synonymous variant.
Genome position (GRCh38, 1-based): chr14:50,590,958, T>G. VCF-style: chr14-50590958-T-G. GRCh37 (hg19) VCF-style: chr14-51057676-T-G.
Other names: c.300T>G, p.Val100= (NM_001127713.1, NM_181598.4).
Identifiers: ClinVar variation 216696 (VCV000216696.15), dbSNP rs863224772, ClinGen allele CA338991.